The following is an entry in ClinVar:

ClinVar aggregate classification (germline): Uncertain significance. Review status: criteria provided, multiple submitters, no conflicts (2 of 4 stars). 2 submissions from 2 submitters: Uncertain significance (2). Last evaluated 2025-08-27.

Conditions:
Inborn genetic diseases. Identifiers: MedGen C0950123, MeSH D030342.

Allele frequency attached by ClinVar (database versions not stated): TOPMed 0.00003; gnomAD exomes 0.00007; ExAC 0.00008; gnomAD 0.00009; 1000 Genomes Project 30x 0.00016; 1000 Genomes Project 0.00020.
gnomAD v4.1: 118 of 1,608,814 alleles (0.0073%); highest among the groups gnomAD compares: East Asian, 0.016%; 1 homozygote.

Submissions (2):

Ambry Genetics
Classification: Uncertain significance for Inborn genetic diseases. Last evaluated: 2025-08-27. Review status: criteria provided, single submitter. Criteria: Ambry Variant Classification Scheme 2023. Collection method: clinical testing. Allele origin: germline.

Labcorp Genetics (formerly Invitae), Labcorp
Classification: Uncertain significance. Last evaluated: 2024-10-17. Review status: criteria provided, single submitter. Criteria: Invitae Variant Classification Sherloc (09022015). Collection method: clinical testing. Allele origin: germline.
Comment: This sequence change replaces proline, which is neutral and non-polar, with serine, which is neutral and polar, at codon 61 of the LTBP2 protein (p.Pro61Ser). This variant is present in population databases (rs543890022, gnomAD 0.06%). This variant has not been reported in the literature in individuals affected with LTBP2-related conditions. ClinVar contains an entry for this variant (Variation ID: 1986021). An algorithm developed to predict the effect of missense changes on protein structure and function outputs the following: PolyPhen-2: "Benign". The serine amino acid residue is found in multiple mammalian species, which suggests that this missense change does not adversely affect protein function. In summary, the available evidence is currently insufficient to determine the role of this variant in disease. Therefore, it has been classified as a Variant of Uncertain Significance.

NM_000428.3(LTBP2):c.181C>T (p.Pro61Ser)

Gene: LTBP2 (latent transforming growth factor beta binding protein 2; minus strand). Cytogenetic location: 14q24.3.
Variant type: single nucleotide variant.
Coding change: c.181C>T on transcript NM_000428.3 (MANE Select); coding-DNA position 181, C replaced by T.
Protein change: p.Pro61Ser; replaces proline 61 with serine.
Molecular consequence: missense variant.
Genome position (GRCh38, 1-based): chr14:74,611,764, G>A on the plus strand (C>T on the coding strand, the complement: LTBP2 is on the minus strand). VCF-style: chr14-74611764-G-A. GRCh37 (hg19) VCF-style: chr14-75078467-G-A.
Other names: c.181C>T (NM_000428.2); short protein forms P61S.
Identifiers: ClinVar variation 1986021 (VCV001986021.3), dbSNP rs543890022, ClinGen allele CA7270253.